The following is an entry in ClinVar:

ClinVar aggregate classification (germline): Benign. Review status: criteria provided, single submitter (1 of 4 stars). 2 submissions from 1 submitter: Benign (2). Last evaluated 2018-01-13.

Conditions:
Craniometaphyseal dysplasia, autosomal dominant (CMDD). Identifiers: Orphanet 1522, MedGen C1852502, MONDO:0007397, OMIM 123000.
Chondrocalcinosis 2. Also called: CALCIUM GOUT; CALCIUM PYROPHOSPHATE ARTHROPATHY; Familial calcium pyrophosphate deposition. Identifiers: Orphanet 1416, MedGen C0856830, MONDO:0007319, OMIM 118600.

Allele frequency attached by ClinVar (database versions not stated): gnomAD 0.00005 and 0.00033; TOPMed 0.00010; 1000 Genomes Project 0.00200; 1000 Genomes Project 30x 0.00234.

Submissions (2):

Illumina Laboratory Services, Illumina
Classification: Benign for Craniometaphyseal dysplasia, autosomal dominant. Last evaluated: 2018-01-13. Review status: criteria provided, single submitter. Criteria: ICSL Variant Classification Criteria 13 December 2019. Collection method: clinical testing. Allele origin: germline.
Comment: This variant was observed in the ICSL laboratory as part of a predisposition screen in an ostensibly healthy population. It had not been previously curated by ICSL or reported in the Human Gene Mutation Database (HGMD: prior to June 1st, 2018), and was therefore a candidate for classification through an automated scoring system. Utilizing variant allele frequency, disease prevalence and penetrance estimates, and inheritance mode, an automated score was calculated to assess if this variant is too frequent to cause the disease. Based on the score and internal cut-off values, a variant classified as benign is not then subjected to further curation. The score for this variant resulted in a classification of benign for this disease.

Illumina Laboratory Services, Illumina
Classification: Benign for Chondrocalcinosis 2. Last evaluated: 2018-01-13. Review status: criteria provided, single submitter. Criteria: ICSL Variant Classification Criteria 13 December 2019. Collection method: clinical testing. Allele origin: germline.
Comment: the same text as in the submission from Illumina Laboratory Services, Illumina above.

NM_054027.6(ANKH):c.*914A>C

Genes: ANKH (ANKH inorganic pyrophosphate transport regulator; minus strand), OTULIN (OTU deubiquitinase with linear linkage specificity; plus strand). Cytogenetic location: 5p15.2.
Variant type: single nucleotide variant.
Coding change: c.*914A>C on transcript NM_054027.6 (MANE Select); 914 bases downstream of the stop codon, A replaced by C.
Molecular consequence: 3 prime UTR variant.
Genome position (GRCh38, 1-based): chr5:14,710,283, T>G on the plus strand (A>C on the coding strand, the complement: ANKH is on the minus strand). VCF-style: chr5-14710283-T-G. GRCh37 (hg19) VCF-style: chr5-14710392-T-G.
Identifiers: ClinVar variation 351477 (VCV000351477.5), dbSNP rs556791755, ClinGen allele CA10619311.